The following is an entry in ClinVar:

NM_000059.4(BRCA2):c.9674dup (p.Tyr3225Ter)

Gene: BRCA2 (BRCA2 DNA repair associated; plus strand). Cytogenetic location: 13q13.1.
Variant type: Duplication.
Coding change: c.9674dup on transcript NM_000059.4 (MANE Select); coding-DNA position 9674, one base duplicated (A; older notation c.9674dupA).
Protein change: p.Tyr3225Ter; replaces tyrosine 3225 with a stop codon.
Molecular consequence: nonsense.
Genome position (GRCh38, 1-based): chr13:32,398,187, A duplicated. VCF-style (leftmost placement, unchanged base first): chr13-32398186-T-TA. GRCh37 (hg19) VCF-style: chr13-32972323-T-TA.
Other names: c.9674dupA (NM_000059.3); short protein forms Y3225*.
Identifiers: ClinVar variation 254635 (VCV000254635.2), dbSNP rs886038194, ClinGen allele CA10586598.

ClinVar aggregate classification (germline): Pathogenic (3 of 4 stars; one submission).

Conditions:
Breast-ovarian cancer, familial, susceptibility to, 2 (BROVCA2). Also called: BRCA2 Hereditary Breast and Ovarian Cancer. Identifiers: Orphanet 145, MedGen C2675520, MONDO:0012933, OMIM 612555. Disease mechanism: loss of function.

Submission:

Evidence-based Network for the Interpretation of Germline Mutant Alleles (ENIGMA)
Classification: Pathogenic for Breast-ovarian cancer, familial, susceptibility to, 2. Last evaluated: 2016-09-08. Review status: reviewed by expert panel. Criteria: ENIGMA BRCA1/2 Classification Criteria (2015). Collection method: curation. Allele origin: germline.
Comment: Variant allele predicted to encode a truncated non-functional protein.